The following is an entry in ClinVar:

ClinVar aggregate classification (germline): Uncertain significance (1 of 4 stars; one submission).

Submission:

GeneDx
Classification: Uncertain significance. Last evaluated: 2025-10-18. Review status: criteria provided, single submitter. Criteria: GeneDx Variant Classification Process June 2021. Collection method: clinical testing. Allele origin: germline.
Comment: Not observed at significant frequency in large population cohorts (gnomAD); In silico analysis supports that this missense variant has a deleterious effect on protein structure/function; Has not been previously published as pathogenic or benign to our knowledge

NM_005996.4(TBX3):c.821T>C (p.Ile274Thr)

Gene: TBX3 (T-box transcription factor 3; minus strand). Cytogenetic location: 12q24.21.
Variant type: single nucleotide variant.
Coding change: c.821T>C on transcript NM_005996.4 (MANE Select); coding-DNA position 821, T replaced by C.
Protein change: p.Ile274Thr; replaces isoleucine 274 with threonine.
Molecular consequence: missense variant.
Genome position (GRCh38, 1-based): chr12:114,677,640, A>G on the plus strand (T>C on the coding strand, the complement: TBX3 is on the minus strand). VCF-style: chr12-114677640-A-G. GRCh37 (hg19) VCF-style: chr12-115115445-A-G.
Other names: c.881T>C, p.Ile294Thr (NM_016569.4); short protein forms I274T, I294T.
Identifiers: ClinVar variation 3903091 (VCV003903091.2).